The following is an entry in ClinVar:

NM_000271.5(NPC1):c.2054T>C (p.Ile685Thr)

Gene: NPC1 (NPC intracellular cholesterol transporter 1; minus strand). Cytogenetic location: 18q11.2.
Variant type: single nucleotide variant.
Coding change: c.2054T>C on transcript NM_000271.5 (MANE Select); coding-DNA position 2054, T replaced by C.
Protein change: p.Ile685Thr; replaces isoleucine 685 with threonine.
Molecular consequence: missense variant.
Genome position (GRCh38, 1-based): chr18:23,544,420, A>G on the plus strand (T>C on the coding strand, the complement: NPC1 is on the minus strand). VCF-style: chr18-23544420-A-G. GRCh37 (hg19) VCF-style: chr18-21124384-A-G.
Other names: short protein forms I685T.
Identifiers: ClinVar variation 132893 (VCV000132893.3), dbSNP rs483352888, ClinGen allele CA269823.

ClinVar aggregate classification (germline): Likely pathogenic. Review status: criteria provided, single submitter (1 of 4 stars). 2 submissions from 2 submitters: Likely pathogenic (1). 1 of the submissions does not count toward it. Last evaluated 2024-05-10.

Conditions:
Niemann-Pick disease, type C (NPC). Identifiers: Orphanet 646, MedGen C0220756, MONDO:0018982.
Niemann-Pick disease, type C1. Also called: NIEMANN-PICK DISEASE, VARIANT TYPE C1; NEUROVISCERAL STORAGE DISEASE WITH VERTICAL SUPRANUCLEAR OPHTHALMOPLEGIA; NIEMANN-PICK DISEASE WITH CHOLESTEROL ESTERIFICATION BLOCK; NIEMANN-PICK DISEASE WITHOUT SPHINGOMYELINASE DEFICIENCY; NIEMANN-PICK DISEASE, CHRONIC NEURONOPATHIC FORM. Identifiers: Orphanet 646, MedGen C3179455, MONDO:0009757, OMIM 257220.

Submissions (2):

Women's Health and Genetics/Laboratory Corporation of America, LabCorp
Classification: Likely pathogenic for Niemann-Pick disease, type C. Last evaluated: 2024-05-10. Review status: criteria provided, single submitter. Criteria: LabCorp Variant Classification Summary - May 2015. Collection method: clinical testing. Allele origin: germline.
Comment: Variant summary: NPC1 c.2054T>C (p.Ile685Thr) results in a non-conservative amino acid change located in the Sterol-sensing domain (IPR000731) of the encoded protein sequence. Five of five in-silico tools predict a damaging effect of the variant on protein function. The variant was absent in 251456 control chromosomes. c.2054T>C has been reported in trans with two different pathogenic variants in the literature in individuals affected with Niemann-Pick Disease Type C (example, Wang_2020, Yang_2015, Zhang_2014). These data indicate that the variant may be associated with disease. To our knowledge, no experimental evidence demonstrating an impact on protein function has been reported. The following publications have been ascertained in the context of this evaluation (PMID: 32317543, 25748406, 24915861). ClinVar contains an entry for this variant (Variation ID: 132893). Based on the evidence outlined above, the variant was classified as likely pathogenic.

Shanghain Institute for Pediatric Research
Classification: Pathogenic for Niemann-Pick disease type C1. Review status: no assertion criteria provided. Collection method: not provided. Allele origin: germline. Not counted in ClinVar's aggregate classification.
ClinVar note: Converted during submission from pathogenic to Pathogenic.

Literature cited by the submitters: PubMed 24915861 (cited by Women's Health and Genetics/Laboratory Corporation of America, LabCorp); PubMed 32317543 (cited by Women's Health and Genetics/Laboratory Corporation of America, LabCorp); PubMed 25748406 (cited by Women's Health and Genetics/Laboratory Corporation of America, LabCorp).